The following is an entry in ClinVar:

NM_000455.5(STK11):c.318G>A (p.Arg106=)

Gene: STK11 (serine/threonine kinase 11; plus strand). Cytogenetic location: 19p13.3.
Variant type: single nucleotide variant.
Coding change: c.318G>A on transcript NM_000455.5 (MANE Select); coding-DNA position 318, G replaced by A.
Protein change: p.Arg106=; no amino-acid change (arginine 106 retained).
Molecular consequence: synonymous variant.
Genome position (GRCh38, 1-based): chr19:1,218,444, G>A. VCF-style: chr19-1218444-G-A. GRCh37 (hg19) VCF-style: chr19-1218443-G-A.
Identifiers: ClinVar variation 185346 (VCV000185346.18), dbSNP rs777784520, ClinGen allele CA022823.

ClinVar aggregate classification (germline): Benign/Likely benign. Review status: criteria provided, multiple submitters, no conflicts (2 of 4 stars). 6 submissions from 6 submitters: Benign (1); Likely benign (4). 1 of the submissions does not count toward it. Last evaluated 2025-11-23.

Conditions:
Hereditary cancer-predisposing syndrome. Also called: Tumor predisposition; Hereditary Cancer Syndrome; Hereditary neoplastic syndrome; Neoplastic Syndromes, Hereditary. Identifiers: Orphanet 140162, MedGen C0027672, MeSH D009386, MONDO:0015356.
Peutz-Jeghers syndrome (PJS). Also called: POLYPOSIS, HAMARTOMATOUS INTESTINAL; POLYPS-AND-SPOTS SYNDROME; Peutz-Jeghers polyposis; Periorificial lentiginosis syndrome. Identifiers: Orphanet 2869, MedGen C0031269, MeSH D010580, MONDO:0008280, OMIM 175200.

Allele frequency attached by ClinVar (database versions not stated): ExAC 0.00001; gnomAD 0.00001.
gnomAD v4.1: 4 of 1,613,522 alleles (0.00025%); highest among the groups gnomAD compares: Admixed American, 0.0067%; no homozygotes.

Submissions (6):

Labcorp Genetics (formerly Invitae), Labcorp
Classification: Likely benign for Peutz-Jeghers syndrome. Last evaluated: 2025-11-23. Review status: criteria provided, single submitter. Criteria: Invitae Variant Classification Sherloc (09022015). Collection method: clinical testing. Allele origin: germline.

All of Us Research Program, National Institutes of Health
Classification: Likely benign for Peutz-Jeghers syndrome. Last evaluated: 2024-08-19. Review status: criteria provided, single submitter. Criteria: ACMG Guidelines, 2015. Collection method: clinical testing. Allele origin: germline. Inheritance: Autosomal dominant inheritance. Observed: 1 variant allele, 1 heterozygote.
Comment: This study involves interpretation of variants in research participants for the purpose of population health screening. Participant phenotype was not available at the time of variant classification. Additional details can be found in publication PMID: 35346344, PMCID: PMC8962531

Myriad Genetics, Inc.
Classification: Benign for Peutz-Jeghers syndrome. Last evaluated: 2023-04-12. Review status: criteria provided, single submitter. Criteria: Myriad Autosomal Dominant, Autosomal Recessive and X-Linked Classification Criteria (2023). Collection method: clinical testing. Allele origin: unknown.
Comment: This variant is considered benign. This variant is a silent/synonymous amino acid change and it is not expected to impact splicing.

Color Diagnostics, LLC DBA Color Health
Classification: Likely benign for Hereditary cancer-predisposing syndrome. Last evaluated: 2017-06-16. Review status: criteria provided, single submitter. Criteria: ACMG Guidelines, 2015. Collection method: clinical testing. Allele origin: germline.

Ambry Genetics
Classification: Likely benign for Hereditary cancer-predisposing syndrome. Last evaluated: 2014-06-09. Review status: criteria provided, single submitter. Criteria: Ambry Variant Classification Scheme 2023. Collection method: clinical testing. Allele origin: germline.

Counsyl
Classification: Likely benign for Peutz-Jeghers syndrome. Last evaluated: 2016-08-31. Review status: no assertion criteria provided. Collection method: clinical testing. Allele origin: unknown. Not counted in ClinVar's aggregate classification.